The following is an entry in ClinVar:

ClinVar aggregate classification (germline): Pathogenic (1 of 4 stars; one submission).

Conditions:
Hereditary diffuse gastric adenocarcinoma (HDGC). Also called: DIFFUSE GASTRIC AND LOBULAR BREAST CANCER SYNDROME. Identifiers: Orphanet 26106, MedGen C1708349, MONDO:0007648, OMIM 137215.

Submission:

European Reference Network on Genetic Tumour Risk Syndromes (ERN-GENTURIS), i3s - Instituto de Investigação e Inovação em Saúde, University of Porto
Classification: Pathogenic for Hereditary diffuse gastric adenocarcinoma. Last evaluated: 2022-08-01. Review status: criteria provided, single submitter. Criteria: Lee et al. (Hum Mutat. 2018). Collection method: clinical testing. Allele origin: germline. Inheritance: Autosomal dominant inheritance. Affected: yes. Study: ERN GENTURIS.
Comment: PVS1; PS4_Supporting; PM2 (PMID: 30311375)

Literature cited by the submitters: PubMed 36436516.

NM_004360.4:c.(1320+1_1321-1)_(1711+1_1712-1)del

Gene: CDH1 (cadherin 1; plus strand).
Variant type: Deletion.
Identifiers: ClinVar variation 2502947 (VCV002502947.1).